The following is an entry in ClinVar:

NM_016026.4(RDH11):c.227A>G (p.Glu76Gly)

Genes: GPHN (gephyrin; plus strand), RDH11 (retinol dehydrogenase 11; minus strand). Cytogenetic location: 14q24.1.
Variant type: single nucleotide variant.
Coding change: c.227A>G on transcript NM_016026.4 (MANE Select); coding-DNA position 227, A replaced by G.
Protein change: p.Glu76Gly; replaces glutamic acid 76 with glycine.
Molecular consequence: missense variant.
Genome position (GRCh38, 1-based): chr14:67,692,560, T>C on the plus strand (A>G on the coding strand, the complement: RDH11 is on the minus strand). VCF-style: chr14-67692560-T-C. GRCh37 (hg19) VCF-style: chr14-68159277-T-C.
Other names: c.227A>G, p.Glu76Gly (NM_001252650.2); short protein forms E76G.
Identifiers: ClinVar variation 1479828 (VCV001479828.6), dbSNP rs1271673033, ClinGen allele CA390136825.

ClinVar aggregate classification (germline): Uncertain significance (1 of 4 stars; one submission).

gnomAD v4.1: 3 of 1,606,680 alleles (0.00019%); highest among the groups gnomAD compares: African/African-American, 0.0027%; no homozygotes.

Submission:

Labcorp Genetics (formerly Invitae), Labcorp
Classification: Uncertain significance. Last evaluated: 2024-10-24. Review status: criteria provided, single submitter. Criteria: Invitae Variant Classification Sherloc (09022015). Collection method: clinical testing. Allele origin: germline.
Comment: This sequence change replaces glutamic acid, which is acidic and polar, with glycine, which is neutral and non-polar, at codon 76 of the RDH11 protein (p.Glu76Gly). This variant is present in population databases (no rsID available, gnomAD 0.007%). This variant has not been reported in the literature in individuals affected with RDH11-related conditions. ClinVar contains an entry for this variant (Variation ID: 1479828). An algorithm developed to predict the effect of missense changes on protein structure and function (PolyPhen-2) suggests that this variant is likely to be tolerated. In summary, the available evidence is currently insufficient to determine the role of this variant in disease. Therefore, it has been classified as a Variant of Uncertain Significance.